The following is an entry in ClinVar:

ClinVar aggregate classification (germline): Uncertain significance (1 of 4 stars; one submission).

Conditions:
Hereditary cancer-predisposing syndrome. Also called: Neoplastic Syndromes, Hereditary; Tumor predisposition; Hereditary neoplastic syndrome; Hereditary Cancer Syndrome. Identifiers: Orphanet 140162, MedGen C0027672, MeSH D009386, MONDO:0015356.

Submission:

Ambry Genetics
Classification: Uncertain significance for Hereditary cancer-predisposing syndrome. Last evaluated: 2026-07-02. Review status: criteria provided, single submitter. Criteria: Ambry Variant Classification Scheme 2023. Collection method: clinical testing. Allele origin: germline.
Comment: The p.S559R variant (also known as c.1675A>C), located in coding exon 12 of the MSH3 gene, results from an A to C substitution at nucleotide position 1675. The serine at codon 559 is replaced by arginine, an amino acid with dissimilar properties. This amino acid position is conserved. In addition, this alteration is predicted to be deleterious by in silico analysis. Based on the available evidence, the clinical significance of this variant remains unclear.

NM_002439.5(MSH3):c.1675A>C (p.Ser559Arg)

Gene: MSH3 (mutS homolog 3; plus strand). Cytogenetic location: 5q14.1.
Variant type: single nucleotide variant.
Coding change: c.1675A>C on transcript NM_002439.5 (MANE Select); coding-DNA position 1675, A replaced by C.
Protein change: p.Ser559Arg; replaces serine 559 with arginine.
Molecular consequence: missense variant.
Genome position (GRCh38, 1-based): chr5:80,744,527, A>C. VCF-style: chr5-80744527-A-C. GRCh37 (hg19) VCF-style: chr5-80040346-A-C.
Other names: short protein forms S559R.
Identifiers: ClinVar variation 5024762 (VCV005024762.1).